The following is an entry in ClinVar:

ClinVar aggregate classification (germline): Uncertain significance (1 of 4 stars; one submission).

Submission:

GeneDx
Classification: Uncertain significance. Last evaluated: 2024-10-18. Review status: criteria provided, single submitter. Criteria: GeneDx Variant Classification Process June 2021. Collection method: clinical testing. Allele origin: germline. Affected: yes.
Comment: Not observed at significant frequency in large population cohorts (gnomAD); In silico analysis supports that this missense variant has a deleterious effect on protein structure/function; Has not been previously published as pathogenic or benign to our knowledge

NM_004970.3(IGFALS):c.58C>A (p.Leu20Met)

Gene: IGFALS (insulin like growth factor binding protein acid labile subunit; minus strand). Cytogenetic location: 16p13.3.
Variant type: single nucleotide variant.
Coding change: c.58C>A on transcript NM_004970.3 (MANE Select); coding-DNA position 58, C replaced by A.
Protein change: p.Leu20Met; replaces leucine 20 with methionine.
Molecular consequence: missense variant. On other transcripts: non-coding transcript variant (1).
Genome position (GRCh38, 1-based): chr16:1,792,360, G>T on the plus strand (C>A on the coding strand, the complement: IGFALS is on the minus strand). VCF-style: chr16-1792360-G-T. GRCh37 (hg19) VCF-style: chr16-1842361-G-T.
Other names: c.172C>A, p.Leu58Met (NM_001146006.2); short protein forms L20M, L58M.
Identifiers: ClinVar variation 3781091 (VCV003781091.1).